The following is an entry in ClinVar:

ClinVar aggregate classification (germline): Uncertain significance (1 of 4 stars; one submission).

Conditions:
Wiedemann-Steiner syndrome (WDSTS). Also called: Growth deficiency and mental retardation with facial dysmorphism. Identifiers: Orphanet 319182, MedGen C1854630, MONDO:0011518, OMIM 605130.

gnomAD v4.1: 3 of 1,614,214 alleles (0.00019%); highest among the groups gnomAD compares: South Asian, 0.0033%; no homozygotes.

Submission:

Neuberg Centre For Genomic Medicine, NCGM
Classification: Uncertain significance for Wiedemann-Steiner syndrome. Last evaluated: 2023-06-22. Review status: criteria provided, single submitter. Criteria: ACMG Guidelines, 2015. Collection method: clinical testing. Allele origin: germline. Inheritance: Autosomal dominant inheritance. Affected: yes.
Comment: The observed missense c.6925G>A(p.Glu2309Lys) variant in KMT2A gene has not been reported previously as a pathogenic variant nor as a benign variant, to our knowledge. This variant is reported with the allele frequency of 0.0008% in the gnomAD Exomes. The amino acid Glu at position 2309 is changed to a Lys changing protein sequence and it might alter its composition and physico-chemical properties. The amino acid change p.Glu2309Lys in KMT2A is predicted as conserved by GERP++ and PhyloP across 100 vertebrates. Multiple lines of computational evidence (Polyphen - Possibly Damaging, SIFT - Damaging, and MutationTaster - Disease causing) predict a damaging effect on protein structure and function for this variant. For these reasons, this variant has been classified as Uncertain Significance.

NM_001197104.2(KMT2A):c.6925G>A (p.Glu2309Lys)

Gene: KMT2A (lysine methyltransferase 2A; plus strand). Cytogenetic location: 11q23.3.
Variant type: single nucleotide variant.
Coding change: c.6925G>A on transcript NM_001197104.2 (MANE Select); coding-DNA position 6925, G replaced by A.
Protein change: p.Glu2309Lys; replaces glutamic acid 2309 with lysine.
Molecular consequence: missense variant.
Genome position (GRCh38, 1-based): chr11:118,502,817, G>A. VCF-style: chr11-118502817-G-A. GRCh37 (hg19) VCF-style: chr11-118373532-G-A.
Other names: c.7015G>A, p.Glu2339Lys (NM_001412597.1); c.6916G>A, p.Glu2306Lys (NM_005933.4); short protein forms E2306K, E2309K, E2339K.
Identifiers: ClinVar variation 3731324 (VCV003731324.1).